The following is an entry in ClinVar:

NM_018834.6(MATR3):c.1415A>T (p.Gln472Leu)

Gene: MATR3 (matrin 3; plus strand). Cytogenetic location: 5q31.2.
Variant type: single nucleotide variant.
Coding change: c.1415A>T on transcript NM_018834.6 (MANE Select); coding-DNA position 1415, A replaced by T.
Protein change: p.Gln472Leu; replaces glutamine 472 with leucine.
Molecular consequence: missense variant.
Genome position (GRCh38, 1-based): chr5:139,319,014, A>T. VCF-style: chr5-139319014-A-T. GRCh37 (hg19) VCF-style: chr5-138654703-A-T.
Other names: c.1415A>T, p.Gln472Leu (NM_001194954.2, NM_001194955.2, NM_001400441.1 and 16 more transcripts); c.551A>T, p.Gln184Leu (NM_001194956.2); c.401A>T, p.Gln134Leu (NM_001282278.2, NM_001400460.1, NM_001400462.1 and 5 more transcripts); c.554A>T, p.Gln185Leu (NM_001400459.1); c.515A>T, p.Gln172Leu (NM_001400461.1); short protein forms Q172L, Q134L, Q184L, Q185L, Q472L.
Identifiers: ClinVar variation 4742715 (VCV004742715.1).

ClinVar aggregate classification (germline): Uncertain significance (1 of 4 stars; one submission).

Conditions:
Amyotrophic lateral sclerosis type 21. Also called: MYOPATHY, DISTAL, 2; VOCAL CORD AND PHARYNGEAL DYSFUNCTION WITH DISTAL MYOPATHY. Identifiers: Orphanet 600, Orphanet 803, MedGen C3807521, MONDO:0011632, OMIM 606070.

Submission:

Labcorp Genetics (formerly Invitae), Labcorp
Classification: Uncertain significance for Amyotrophic lateral sclerosis type 21. Last evaluated: 2025-10-06. Review status: criteria provided, single submitter. Criteria: Invitae Variant Classification Sherloc (09022015). Collection method: clinical testing. Allele origin: germline.
Comment: This sequence change replaces glutamine, which is neutral and polar, with leucine, which is neutral and non-polar, at codon 472 of the MATR3 protein (p.Gln472Leu). This variant is not present in population databases (gnomAD no frequency). This variant has not been reported in the literature in individuals affected with MATR3-related conditions. Invitae Evidence Modeling of protein sequence and biophysical properties (such as structural, functional, and spatial information, amino acid conservation, physicochemical variation, residue mobility, and thermodynamic stability) has been performed for this missense variant. However, the output from this modeling did not meet the statistical confidence thresholds required to predict the impact of this variant on MATR3 protein function. In summary, the available evidence is currently insufficient to determine the role of this variant in disease. Therefore, it has been classified as a Variant of Uncertain Significance.